The following is an entry in ClinVar:

NM_005141.5(FGB):c.155A>G (p.Lys52Arg)

Gene: FGB (fibrinogen beta chain; plus strand). Cytogenetic location: 4q31.3.
Variant type: single nucleotide variant.
Coding change: c.155A>G on transcript NM_005141.5 (MANE Select); coding-DNA position 155, A replaced by G.
Protein change: p.Lys52Arg; replaces lysine 52 with arginine.
Molecular consequence: missense variant.
Genome position (GRCh38, 1-based): chr4:154,565,848, A>G. VCF-style: chr4-154565848-A-G. GRCh37 (hg19) VCF-style: chr4-155487000-A-G.
Other names: c.155A>G, p.Lys52Arg (NM_001184741.1, NM_001382759.1, NM_001382760.1 and 5 more transcripts); short protein forms K52R.
Identifiers: ClinVar variation 3338995 (VCV003338995.1).
Genomic context (GRCh38, chr4:154,565,848, plus strand): 5'-TTCTGCCTCATTCCTTGTAGGGTTTCTTCAGTGCCCGTGGTCATCGACCCCTTGACAAGA[A>G]GAGAGAAGAGGCTCCCAGCCTGAGGCCTGCCCCACCGCCCATCAGTGGAGGTGGCTATCG-3'
Protein context (NP_005132.2, residues 42-62): SARGHRPLDK[Lys52Arg]REEAPSLRPA

ClinVar aggregate classification (germline): Uncertain significance (1 of 4 stars; one submission).

gnomAD v4.1: 2 of 1,614,096 alleles (0.00012%); highest among the groups gnomAD compares: African/African-American, 0.0027%; no homozygotes.

Submission:

Women's Health and Genetics/Laboratory Corporation of America, LabCorp
Classification: Uncertain significance. Last evaluated: 2024-07-09. Review status: criteria provided, single submitter. Criteria: LabCorp Variant Classification Summary - May 2015. Collection method: clinical testing. Allele origin: germline.
Comment: Variant summary: FGB c.155A>G (p.Lys52Arg) results in a conservative amino acid change in the encoded protein sequence. Five of five in-silico tools predict a benign effect of the variant on protein function. The variant allele was found at a frequency of 4e-06 in 248938 control chromosomes. The available data on variant occurrences in the general population are insufficient to allow any conclusion about variant significance. To our knowledge, no occurrence of c.155A>G in individuals affected with Afibrinogenemia, Congenital and no experimental evidence demonstrating its impact on protein function have been reported. No submitters have cited clinical-significance assessments for this variant to ClinVar. Based on the evidence outlined above, the variant was classified as uncertain significance.